The following is an entry in ClinVar:

NM_006073.4(TRDN):c.2050+2T>C

Gene: TRDN (triadin; minus strand). Cytogenetic location: 6q22.31.
Variant type: single nucleotide variant.
Coding change: c.2050+2T>C on transcript NM_006073.4 (MANE Select); the canonical splice donor site of the intron after coding-DNA position 2050, T replaced by C.
Molecular consequence: splice donor variant.
Genome position (GRCh38, 1-based): chr6:123,221,485, A>G on the plus strand (T>C on the coding strand, the complement: TRDN is on the minus strand). VCF-style: chr6-123221485-A-G. GRCh37 (hg19) VCF-style: chr6-123542630-A-G.
Identifiers: ClinVar variation 463676 (VCV000463676.10), dbSNP rs758127975, ClinGen allele CA3983623.
Genomic context (GRCh38, chr6:123,221,485, plus strand): 5'-ACATAGATGTAGCATCTTTAATACAGAATGATTTATTACTTTTAATCTCATTATAAACTT[A>G]CTTTTCTGCTTTGTGGGAGACACATCTTCAGTTCCTTCTAGTGGATAAAAAATATAAAAG-3'

ClinVar aggregate classification (germline): Uncertain significance (1 of 4 stars; one submission).

Conditions:
Catecholaminergic polymorphic ventricular tachycardia 1. Also called: VENTRICULAR TACHYCARDIA, STRESS-INDUCED POLYMORPHIC 1; VENTRICULAR TACHYCARDIA, CATECHOLAMINERGIC POLYMORPHIC, 1, WITH OR WITHOUT ATRIAL DYSFUNCTION AND/OR DILATED CARDIOMYOPATHY; RYR2-Related Catecholaminergic Polymorphic Ventricular Tachycardia. Identifiers: Orphanet 3286, MedGen C1631597, MONDO:0011484, OMIM 604772.

Allele frequency attached by ClinVar (database versions not stated): ExAC 0.00001; TOPMed 0.00001.
gnomAD v4.1: 1 of 1,556,414 alleles (0.000064%); highest among the groups gnomAD compares: Admixed American, 0.0017%; no homozygotes.

Submission:

Labcorp Genetics (formerly Invitae), Labcorp
Classification: Uncertain significance for Catecholaminergic polymorphic ventricular tachycardia 1. Last evaluated: 2019-07-24. Review status: criteria provided, single submitter. Criteria: Invitae Variant Classification Sherloc (09022015). Collection method: clinical testing. Allele origin: germline.
Comment: In summary, this is a donor splice site variant that is not expected to cause a loss-of-function. Without additional functional and/or genetic data, this change has been classified as a Variant of Uncertain Significance. The frequency data for this variant (rs758127975) in the population databases is unreliable, as metrics indicate poor quality at this position in the ExAC database. This variant has not been reported in the literature in individuals with a TRDN-related disease. This sequence change affects a donor splice site in the last intron (intron 40) of the TRDN gene. While this is not anticipated to result in nonsense mediated decay, it likely alters RNA splicing and results in a disrupted protein product.